The following is an entry in ClinVar:

NM_006031.6(PCNT):c.9618A>G (p.Ile3206Met)

Gene: PCNT (pericentrin; plus strand). Cytogenetic location: 21q22.3.
Variant type: single nucleotide variant.
Coding change: c.9618A>G on transcript NM_006031.6 (MANE Select); coding-DNA position 9618, A replaced by G.
Protein change: p.Ile3206Met; replaces isoleucine 3206 with methionine.
Molecular consequence: missense variant.
Genome position (GRCh38, 1-based): chr21:46,441,079, A>G. VCF-style: chr21-46441079-A-G. GRCh37 (hg19) VCF-style: chr21-47860992-A-G.
Other names: c.9027A>G, p.Ile3009Met (NM_001315529.2); short protein forms I3206M, I3009M.
Identifiers: ClinVar variation 211891 (VCV000211891.10), dbSNP rs372895276, ClinGen allele CA209765.

ClinVar aggregate classification (germline): Uncertain significance. Review status: criteria provided, multiple submitters, no conflicts (2 of 4 stars). 4 submissions from 4 submitters: Uncertain significance (3). 1 of the submissions does not count toward it. Last evaluated 2022-03-04.

Conditions:
PCNT-related disorder. Also called: PCNT-related condition.

Allele frequency attached by ClinVar (database versions not stated): gnomAD 0.00007; TOPMed 0.00007; gnomAD exomes 0.00011; ExAC 0.00013; ESP Exome Variant Server 0.00015.
gnomAD v4.1: 167 of 1,594,334 alleles (0.01%); highest among the groups gnomAD compares: Non-Finnish European, 0.014%; no homozygotes.

Submissions (4):

Labcorp Genetics (formerly Invitae), Labcorp
Classification: Uncertain significance. Last evaluated: 2022-03-04. Review status: criteria provided, single submitter. Criteria: Invitae Variant Classification Sherloc (09022015). Collection method: clinical testing. Allele origin: germline.
Comment: This sequence change replaces isoleucine, which is neutral and non-polar, with methionine, which is neutral and non-polar, at codon 3206 of the PCNT protein (p.Ile3206Met). This variant is present in population databases (rs372895276, gnomAD 0.02%). This variant has not been reported in the literature in individuals affected with PCNT-related conditions. ClinVar contains an entry for this variant (Variation ID: 211891). Algorithms developed to predict the effect of missense changes on protein structure and function are either unavailable or do not agree on the potential impact of this missense change (SIFT: "Deleterious"; PolyPhen-2: "Benign"; Align-GVGD: "Class C0"). In summary, the available evidence is currently insufficient to determine the role of this variant in disease. Therefore, it has been classified as a Variant of Uncertain Significance.

Genetic Services Laboratory, University of Chicago
Classification: Uncertain significance. Last evaluated: 2015-03-25. Review status: criteria provided, single submitter. Criteria: ACMG Guidelines, 2015. Collection method: clinical testing. Allele origin: germline.

Breakthrough Genomics
Classification: Uncertain significance. Review status: criteria provided, single submitter. Criteria: ACMG Guidelines, 2015. Collection method: not provided. Allele origin: germline. Inheritance: Autosomal dominant inheritance. Affected: yes.

PreventionGenetics, part of Exact Sciences
Classification: Uncertain significance for PCNT-related condition. Last evaluated: 2024-02-04. Review status: no assertion criteria provided. Collection method: clinical testing. Allele origin: germline. Not counted in ClinVar's aggregate classification.
Comment: The PCNT c.9618A>G variant is predicted to result in the amino acid substitution p.Ile3206Met. To our knowledge, this variant has not been reported in the literature. This variant is reported in 0.023% of alleles in individuals of European (Non-Finnish) descent in gnomAD. At this time, the clinical significance of this variant is uncertain due to the absence of conclusive functional and genetic evidence.